The following is an entry in ClinVar:

NM_004667.6(HERC2):c.13531T>G (p.Ser4511Ala)

Gene: HERC2 (HECT and RLD domain containing E3 ubiquitin protein ligase 2; minus strand). Cytogenetic location: 15q13.1.
Variant type: single nucleotide variant.
Coding change: c.13531T>G on transcript NM_004667.6 (MANE Select); coding-DNA position 13531, T replaced by G.
Protein change: p.Ser4511Ala; replaces serine 4511 with alanine.
Molecular consequence: missense variant.
Genome position (GRCh38, 1-based): chr15:28,116,743, A>C on the plus strand (T>G on the coding strand, the complement: HERC2 is on the minus strand). VCF-style: chr15-28116743-A-C. GRCh37 (hg19) VCF-style: chr15-28361889-A-C.
Other names: short protein forms S4511A.
Identifiers: ClinVar variation 2431795 (VCV002431795.1), dbSNP rs1015302651, ClinGen allele CA391371091.

ClinVar aggregate classification (germline): Uncertain significance (1 of 4 stars; one submission).

Conditions:
Developmental delay with autism spectrum disorder and gait instability (MRT38). Also called: Intellectual developmental disorder, autosomal recessive 38. Identifiers: Orphanet 329195, MedGen C3809753, MONDO:0014224, OMIM 615516.

Submission:

Laboratorio de Genetica e Diagnostico Molecular, Hospital Israelita Albert Einstein
Classification: Uncertain significance for Developmental delay with autism spectrum disorder and gait instability. Last evaluated: 2022-11-11. Review status: criteria provided, single submitter. Criteria: ACMG Guidelines, 2015. Collection method: clinical testing. Allele origin: germline. Affected: yes. Observed: 1 variant allele.
Comment: ACMG classification criteria: PM2 moderated, PP2 supporting, BP4 supporting